The following is an entry in ClinVar:

NM_002473.6(MYH9):c.*800T>C

Gene: MYH9 (myosin heavy chain 9; minus strand). Cytogenetic location: 22q12.3.
Variant type: single nucleotide variant.
Coding change: c.*800T>C on transcript NM_002473.6 (MANE Select); 800 bases downstream of the stop codon, T replaced by C.
Molecular consequence: 3 prime UTR variant.
Genome position (GRCh38, 1-based): chr22:36,281,868, A>G on the plus strand (T>C on the coding strand, the complement: MYH9 is on the minus strand). VCF-style: chr22-36281868-A-G. GRCh37 (hg19) VCF-style: chr22-36677914-A-G.
Identifiers: ClinVar variation 341469 (VCV000341469.6), dbSNP rs7078, ClinGen allele CA10645429.

ClinVar aggregate classification (germline): Benign. Review status: criteria provided, multiple submitters, no conflicts (2 of 4 stars). 3 submissions from 2 submitters: Benign (3). Last evaluated 2018-01-13.

Conditions:
Autosomal dominant nonsyndromic hearing loss 17. Also called: Autosomal dominant nonsyndromic deafness 17; Deafness, autosomal dominant 17. Identifiers: Orphanet 90635, MedGen C1863659, MONDO:0011350, OMIM 603622.
MYH9-related disorder. Identifiers: MedGen C1854520.

Allele frequency attached by ClinVar (database versions not stated): 1000 Genomes Project 30x 0.17036; 1000 Genomes Project 0.17812; TOPMed 0.23054; gnomAD 0.23633; gnomAD exomes 0.25508.
gnomAD v4.1: 55,465 of 230,108 alleles (24%); highest among the groups gnomAD compares: Middle Eastern, 30%; 7,389 homozygotes.

Submissions (3):

Illumina Laboratory Services, Illumina
Classification: Benign for MYH9-related disorder. Last evaluated: 2018-01-13. Review status: criteria provided, single submitter. Criteria: ICSL Variant Classification Criteria 13 December 2019. Collection method: clinical testing. Allele origin: germline.
Comment: This variant was observed in the ICSL laboratory as part of a predisposition screen in an ostensibly healthy population. It had not been previously curated by ICSL or reported in the Human Gene Mutation Database (HGMD: prior to June 1st, 2018), and was therefore a candidate for classification through an automated scoring system. Utilizing variant allele frequency, disease prevalence and penetrance estimates, and inheritance mode, an automated score was calculated to assess if this variant is too frequent to cause the disease. Based on the score and internal cut-off values, a variant classified as benign is not then subjected to further curation. The score for this variant resulted in a classification of benign for this disease.

Illumina Laboratory Services, Illumina
Classification: Benign for Autosomal dominant nonsyndromic hearing loss 17. Last evaluated: 2018-01-13. Review status: criteria provided, single submitter. Criteria: ICSL Variant Classification Criteria 13 December 2019. Collection method: clinical testing. Allele origin: germline.
Comment: the same text as in the submission from Illumina Laboratory Services, Illumina above.

Breakthrough Genomics
Classification: Benign. Review status: criteria provided, single submitter. Criteria: ACMG Guidelines, 2015. Collection method: not provided. Allele origin: germline. Inheritance: Autosomal dominant inheritance. Affected: yes.